The following is an entry in ClinVar:

NM_201253.3(CRB1):c.725C>T (p.Ala242Val)

Gene: CRB1 (crumbs cell polarity complex component 1; plus strand). Cytogenetic location: 1q31.3.
Variant type: single nucleotide variant.
Coding change: c.725C>T on transcript NM_201253.3 (MANE Select); coding-DNA position 725, C replaced by T.
Protein change: p.Ala242Val; replaces alanine 242 with valine.
Molecular consequence: missense variant. On other transcripts: non-coding transcript variant (2), intron variant (1).
Genome position (GRCh38, 1-based): chr1:197,344,353, C>T. VCF-style: chr1-197344353-C-T. GRCh37 (hg19) VCF-style: chr1-197313483-C-T.
Other names: c.518C>T, p.Ala173Val (NM_001257965.2); c.725C>T, p.Ala242Val (NM_001257966.2); c.653-12478C>T (NM_001193640.2); short protein forms A173V, A242V.
Identifiers: ClinVar variation 4978503 (VCV004978503.1).

ClinVar aggregate classification (germline): Uncertain significance (1 of 4 stars; one submission).

Conditions:
CRB1-related disorder. Also called: CRB1-related condition; CRB1-related disorders.

gnomAD v4.1: 1 of 1,614,104 alleles (0.000062%); highest among the groups gnomAD compares: Middle Eastern, 0.016%; no homozygotes.

Submission:

PreventionGenetics, part of Exact Sciences
Classification: Uncertain significance for CRB1-related condition. Last evaluated: 2025-06-30. Review status: criteria provided, single submitter. Criteria: ACMG Guidelines, 2015. Collection method: clinical testing. Allele origin: germline.
Comment: The CRB1 c.725C>T variant is predicted to result in the amino acid substitution p.Ala242Val. To our knowledge, this variant has not been reported in the literature or in a large population database (gnomAD), indicating this variant is rare. At this time, the clinical significance of this variant is uncertain due to the absence of conclusive functional and genetic evidence.